The following is an entry in ClinVar:

ClinVar aggregate classification (germline): Uncertain significance (1 of 4 stars; one submission).

Conditions:
Generalized epilepsy-paroxysmal dyskinesia syndrome (PNKD3). Also called: Generalized epilepsy and paroxysmal dyskinesia; Paroxysmal nonkinesigenic dyskinesia, 3, with or without generalized epilepsy. Identifiers: Orphanet 79137, MedGen C5574945, MONDO:0012276, OMIM 609446.

Submission:

Labcorp Genetics (formerly Invitae), Labcorp
Classification: Uncertain significance for Generalized epilepsy-paroxysmal dyskinesia syndrome. Last evaluated: 2024-04-08. Review status: criteria provided, single submitter. Criteria: Invitae Variant Classification Sherloc (09022015). Collection method: clinical testing. Allele origin: germline.
Comment: This sequence change replaces serine, which is neutral and polar, with isoleucine, which is neutral and non-polar, at codon 1091 of the KCNMA1 protein (p.Ser1091Ile). This variant is not present in population databases (gnomAD no frequency). This variant has not been reported in the literature in individuals affected with KCNMA1-related conditions. An algorithm developed to predict the effect of missense changes on protein structure and function (PolyPhen-2) suggests that this variant is likely to be disruptive. In summary, the available evidence is currently insufficient to determine the role of this variant in disease. Therefore, it has been classified as a Variant of Uncertain Significance.

NM_001161352.2(KCNMA1):c.3446G>T (p.Ser1149Ile)

Genes: KCNMA1 (potassium calcium-activated channel subfamily M alpha 1; minus strand), KCNMA1-AS1 (KCNMA1 antisense RNA 1; plus strand). Cytogenetic location: 10q22.3.
Variant type: single nucleotide variant.
Coding change: c.3446G>T on transcript NM_001161352.2 (MANE Select); coding-DNA position 3446, G replaced by T.
Protein change: p.Ser1149Ile; replaces serine 1149 with isoleucine.
Molecular consequence: missense variant.
Genome position (GRCh38, 1-based): chr10:76,889,466, C>A on the plus strand (G>T on the coding strand, the complement: KCNMA1 is on the minus strand). VCF-style: chr10-76889466-C-A. GRCh37 (hg19) VCF-style: chr10-78649224-C-A.
Other names: c.3284G>T, p.Ser1095Ile (NM_001014797.3); c.3395G>T, p.Ser1132Ile (NM_001161353.2); c.3122G>T, p.Ser1041Ile (NM_001271518.2); c.3362G>T, p.Ser1121Ile (NM_001271519.2); c.3281G>T, p.Ser1094Ile (NM_001322829.2, NM_001322836.2); c.3374G>T, p.Ser1125Ile (NM_001322830.2); c.3272G>T, p.Ser1091Ile (NM_001322832.2, NM_001410940.1, NM_002247.4); c.3365G>T, p.Ser1122Ile (NM_001322835.2, NM_001322837.2); and 1 more; short protein forms S1091I, S1122I, S1132I, S1121I, S1149I, S1041I, S1094I, S1125I.
Identifiers: ClinVar variation 3683941 (VCV003683941.2).
Genomic context (GRCh38, chr10:76,889,466, plus strand): 5'-ATTTCTGTGATTAGGTGGGAGGGCAGAGTTGAAACCAATACTCACCTCTTTGTGCACTGA[C>A]TGGGGGTGCTGAGGTGAGCATCTCTCAGCCGGTAAATTCCAAAACAAAGCATATTATATG-3'
Protein context (NP_001154824.1, residues 1139-1159): RLRDAHLSTP[Ser1149Ile]QCTKRYVITN